The following is an entry in ClinVar:

ClinVar aggregate classification (germline): Uncertain significance (1 of 4 stars; one submission).

Allele frequency attached by ClinVar (database versions not stated): gnomAD 0.00001.
gnomAD v4.1: 16 of 1,613,848 alleles (0.00099%); highest among the groups gnomAD compares: Non-Finnish European, 0.0014%; no homozygotes.

Submission:

Labcorp Genetics (formerly Invitae), Labcorp
Classification: Uncertain significance. Last evaluated: 2022-05-21. Review status: criteria provided, single submitter. Criteria: Invitae Variant Classification Sherloc (09022015). Collection method: clinical testing. Allele origin: germline.
Comment: This sequence change replaces leucine, which is neutral and non-polar, with methionine, which is neutral and non-polar, at codon 236 of the C6 protein (p.Leu236Met). This variant is present in population databases (rs755404217, gnomAD 0.003%). This variant has not been reported in the literature in individuals affected with C6-related conditions. Algorithms developed to predict the effect of missense changes on protein structure and function are either unavailable or do not agree on the potential impact of this missense change (SIFT: "Deleterious"; PolyPhen-2: "Probably Damaging"; Align-GVGD: "Class C0"). In summary, the available evidence is currently insufficient to determine the role of this variant in disease. Therefore, it has been classified as a Variant of Uncertain Significance.

NM_000065.5(C6):c.706C>A (p.Leu236Met)

Gene: C6 (complement C6; minus strand). Cytogenetic location: 5p13.1.
Variant type: single nucleotide variant.
Coding change: c.706C>A on transcript NM_000065.5 (MANE Select); coding-DNA position 706, C replaced by A.
Protein change: p.Leu236Met; replaces leucine 236 with methionine.
Molecular consequence: missense variant.
Genome position (GRCh38, 1-based): chr5:41,186,090, G>T on the plus strand (C>A on the coding strand, the complement: C6 is on the minus strand). VCF-style: chr5-41186090-G-T. GRCh37 (hg19) VCF-style: chr5-41186192-G-T.
Other names: c.706C>A, p.Leu236Met (NM_001115131.4); short protein forms L236M.
Identifiers: ClinVar variation 1445155 (VCV001445155.6), dbSNP rs755404217, ClinGen allele CA3252692.
Genomic context (GRCh38, chr5:41,186,090, plus strand): 5'-CTGACGGTGTTGGAGTTGCCACCATGCTAGGCTGTCATACCTCAAAGCCGACATTTTCCA[G>T]ATTGGCCGGAACACGGTATGGATTACTTGTCCTACTGCTTTTGACAGTTTTACATATTCC-3'
Protein context (NP_000056.2, residues 226-246): TSNPYRVPAN[Leu236Met]ENVGFEVQTA